The following is an entry in ClinVar:

NM_000051.4(ATM):c.6027C>A (p.Tyr2009Ter)

Genes: ATM (ATM serine/threonine kinase; plus strand), C11orf65 (chromosome 11 open reading frame 65; minus strand). Cytogenetic location: 11q22.3.
Variant type: single nucleotide variant.
Coding change: c.6027C>A on transcript NM_000051.4 (MANE Select); coding-DNA position 6027, C replaced by A.
Protein change: p.Tyr2009Ter; replaces tyrosine 2009 with a stop codon.
Molecular consequence: nonsense. On other transcripts: intron variant (2).
Genome position (GRCh38, 1-based): chr11:108,315,843, C>A. VCF-style: chr11-108315843-C-A. GRCh37 (hg19) VCF-style: chr11-108186570-C-A.
Other names: c.6027C>A, p.Tyr2009Ter (NM_001351834.2); c.641-6772G>T (NM_001330368.2); c.*39-6772G>T (NM_001351110.2); short protein forms Y2009*.
Identifiers: ClinVar variation 836916 (VCV000836916.8), dbSNP rs1555113567, ClinGen allele CA382549870.

ClinVar aggregate classification (germline): Pathogenic (1 of 4 stars; one submission).

Conditions:
Ataxia-telangiectasia syndrome (AT). Also called: ATAXIA-TELANGIECTASIA, COMPLEMENTATION GROUP A; ATAXIA-TELANGIECTASIA, FRESNO VARIANT; Ataxia-telangiectasia; Ataxia-telangiectasia, complementation group D; AT, COMPLEMENTATION GROUP C; Ataxia-telangiectasia, complementation group E. Identifiers: Orphanet 100, MedGen C0004135, MONDO:0008840, OMIM 208900.

Submission:

Labcorp Genetics (formerly Invitae), Labcorp
Classification: Pathogenic for Ataxia-telangiectasia syndrome. Last evaluated: 2022-08-16. Review status: criteria provided, single submitter. Criteria: Invitae Variant Classification Sherloc (09022015). Collection method: clinical testing. Allele origin: germline.
Comment: This sequence change creates a premature translational stop signal (p.Tyr2009*) in the ATM gene. It is expected to result in an absent or disrupted protein product. Loss-of-function variants in ATM are known to be pathogenic (PMID: 23807571, 25614872). This variant is not present in population databases (gnomAD no frequency). This variant has not been reported in the literature in individuals affected with ATM-related conditions. ClinVar contains an entry for this variant (Variation ID: 836916). For these reasons, this variant has been classified as Pathogenic.

Literature cited by the submitters: PubMed 23807571; PubMed 25614872.